The following is an entry in ClinVar:

NM_001042492.3(NF1):c.3817A>C (p.Thr1273Pro)

Gene: NF1 (neurofibromin 1; plus strand). Cytogenetic location: 17q11.2.
Variant type: single nucleotide variant.
Coding change: c.3817A>C on transcript NM_001042492.3 (MANE Select); coding-DNA position 3817, A replaced by C.
Protein change: p.Thr1273Pro; replaces threonine 1273 with proline.
Molecular consequence: missense variant.
Genome position (GRCh38, 1-based): chr17:31,235,719, A>C. VCF-style: chr17-31235719-A-C. GRCh37 (hg19) VCF-style: chr17-29562737-A-C.
Other names: c.3817A>C, p.Thr1273Pro (NM_000267.4); short protein forms T1273P.
Identifiers: ClinVar variation 3634541 (VCV003634541.2).

ClinVar aggregate classification (germline): Uncertain significance (1 of 4 stars; one submission).

Conditions:
Neurofibromatosis, type 1 (NF1). Also called: VON RECKLINGHAUSEN DISEASE; Peripheral type neurofibromatosis; NEUROFIBROMATOSIS, TYPE I, SOMATIC; Neurofibromatosis, type I. Identifiers: Orphanet 636, MedGen C0027831, MONDO:0018975, OMIM 162200. Disease mechanism: loss of function.

Submission:

Labcorp Genetics (formerly Invitae), Labcorp
Classification: Uncertain significance for Neurofibromatosis, type 1. Last evaluated: 2024-08-21. Review status: criteria provided, single submitter. Criteria: Invitae Variant Classification Sherloc (09022015). Collection method: clinical testing. Allele origin: germline.
Comment: This sequence change replaces threonine, which is neutral and polar, with proline, which is neutral and non-polar, at codon 1273 of the NF1 protein (p.Thr1273Pro). This variant is not present in population databases (gnomAD no frequency). This variant has not been reported in the literature in individuals affected with NF1-related conditions. Invitae Evidence Modeling of protein sequence and biophysical properties (such as structural, functional, and spatial information, amino acid conservation, physicochemical variation, residue mobility, and thermodynamic stability) indicates that this missense variant is expected to disrupt NF1 protein function with a positive predictive value of 95%. In summary, the available evidence is currently insufficient to determine the role of this variant in disease. Therefore, it has been classified as a Variant of Uncertain Significance.